The following is an entry in ClinVar:

ClinVar aggregate classification (germline): Uncertain significance. Review status: criteria provided, multiple submitters, no conflicts (2 of 4 stars). 3 submissions from 3 submitters: Uncertain significance (3). Last evaluated 2023-06-03.

Conditions:
Cardiovascular phenotype. Identifiers: MedGen CN230736.

Allele frequency attached by ClinVar (database versions not stated): TOPMed below 0.00001; gnomAD 0.00001.

Submissions (3):

Ambry Genetics
Classification: Uncertain significance for Cardiovascular phenotype. Last evaluated: 2023-06-03. Review status: criteria provided, single submitter. Criteria: Ambry Variant Classification Scheme 2023. Collection method: clinical testing. Allele origin: germline.
Comment: The p.P354L variant (also known as c.1061C>T), located in coding exon 10 of the MAP2K2 gene, results from a C to T substitution at nucleotide position 1061. The proline at codon 354 is replaced by leucine, an amino acid with similar properties. This amino acid position is conserved. In addition, this alteration is predicted to be deleterious by in silico analysis. Since supporting evidence is limited at this time, the clinical significance of this alteration remains unclear.

AiLife Diagnostics
Classification: Uncertain significance. Last evaluated: 2022-02-08. Review status: criteria provided, single submitter. Criteria: ACMG Guidelines, 2015. Collection method: clinical testing. Allele origin: germline. Affected: yes. Observed: 1 variant allele.

Laboratory for Molecular Medicine, Mass General Brigham Personalized Medicine
Classification: Uncertain significance. Last evaluated: 2016-05-16. Review status: criteria provided, single submitter. Criteria: LMM Criteria. Collection method: clinical testing. Allele origin: germline. Observed: 1 variant allele.
Comment: The p.Pro354Leu variant in MAP2K2 has not been previously reported in individual s with clinical features of a RASopathy or in large population studies. Computat ional prediction tools and conservation analysis suggest that the p.Pro354Leu va riant may impact the protein, though this information is not predictive enough t o determine pathogenicity. In summary, the clinical significance of the p.Pro35 4Leu variant is uncertain

NM_030662.4(MAP2K2):c.1061C>T (p.Pro354Leu)

Gene: MAP2K2 (mitogen-activated protein kinase kinase 2; minus strand). Cytogenetic location: 19p13.3.
Variant type: single nucleotide variant.
Coding change: c.1061C>T on transcript NM_030662.4 (MANE Select); coding-DNA position 1061, C replaced by T.
Protein change: p.Pro354Leu; replaces proline 354 with leucine.
Molecular consequence: missense variant.
Genome position (GRCh38, 1-based): chr19:4,094,484, G>A on the plus strand (C>T on the coding strand, the complement: MAP2K2 is on the minus strand). VCF-style: chr19-4094484-G-A. GRCh37 (hg19) VCF-style: chr19-4094482-G-A.
Other names: short protein forms P354L.
Identifiers: ClinVar variation 505055 (VCV000505055.6), dbSNP rs879819202, ClinGen allele CA304447126.
Genomic context (GRCh38, chr19:4,094,484, plus strand): 5'-CGGTCCCAGAACCCGCTGGCATCACTCACTGTGAGCATCTTCAGGTCCGCCCGCTCCGCT[G>A]GGTTCTTGATGAGGCTGGGGGTTCCAAGAGGCAGGACCGGGAGGCGGTGGAGGAGACAAG-3'
Protein context (NP_109587.1, residues 344-364): EFVNKCLIKN[Pro354Leu]AERADLKMLT